The following is an entry in ClinVar:

NM_007294.4(BRCA1):c.5074G>C (p.Asp1692His)

Gene: BRCA1 (BRCA1 DNA repair associated; minus strand). Cytogenetic location: 17q21.31.
Variant type: single nucleotide variant.
Coding change: c.5074G>C on transcript NM_007294.4 (MANE Select); coding-DNA position 5074, G replaced by C.
Protein change: p.Asp1692His; replaces aspartic acid 1692 with histidine.
Molecular consequence: missense variant. On other transcripts: non-coding transcript variant (1).
Genome position (GRCh38, 1-based): chr17:43,067,608, C>G on the plus strand (G>C on the coding strand, the complement: BRCA1 is on the minus strand). VCF-style: chr17-43067608-C-G. GRCh37 (hg19) VCF-style: chr17-41219625-C-G.
Other names: 5193G>C; c.4861G>C, p.Asp1621His (NM_001407571.1, NM_001407894.1, NM_001407895.1 and 12 more transcripts); c.5140G>C, p.Asp1714His (NM_001407581.1, NM_001407582.1); c.5137G>C, p.Asp1713His (NM_001407583.1, NM_001407585.1, NM_001407587.1 and 1 more transcripts); c.5134G>C, p.Asp1712His (NM_001407590.1, NM_001407591.1); c.5074G>C, p.Asp1692His (NM_001407593.1, NM_001407594.1, NM_001407596.1 and 7 more transcripts); c.5071G>C, p.Asp1691His (NM_001407610.1, NM_001407611.1, NM_001407612.1 and 17 more transcripts); c.5068G>C, p.Asp1690His (NM_001407627.1, NM_001407628.1, NM_001407629.1 and 14 more transcripts); and 73 more; short protein forms D1692H, D1713H, D588H, D1645H, D1620H, D1621H, D1625H, D1664H.
Identifiers: ClinVar variation 37633 (VCV000037633.45), dbSNP rs80187739, ClinGen allele CA003202.

ClinVar aggregate classification (germline): Pathogenic. Review status: reviewed by expert panel (3 of 4 stars). 18 submissions from 18 submitters: Pathogenic (1). 17 of the submissions do not count toward it. Last evaluated 2019-06-18.

Conditions:
Hereditary cancer-predisposing syndrome. Also called: Tumor predisposition; Neoplastic Syndromes, Hereditary; Hereditary Cancer Syndrome; Hereditary neoplastic syndrome. Identifiers: Orphanet 140162, MedGen C0027672, MeSH D009386, MONDO:0015356.
Hereditary breast ovarian cancer syndrome. Also called: Hereditary breast and ovarian cancer syndrome (HBOC); Hereditary breast and ovarian cancer syndrome; Hereditary breast and ovarian cancer; Hereditary breast and/or ovarian cancer syndrome; Breast and ovarian cancer; BRCA1- and BRCA2-Associated Hereditary Breast and Ovarian Cancer. Identifiers: Orphanet 145, MedGen C0677776, MeSH D061325, MONDO:0003582. Disease mechanism: loss of function.
Ovarian neoplasm. Also called: Ovarian tumor; Neoplasm of ovary; Ovarian Neoplasms. Identifiers: MedGen C0919267, MeSH D010051, MONDO:0021068, HP:0100615.
Breast-ovarian cancer, familial, susceptibility to, 1 (BROVCA1). Also called: OVARIAN CANCER, SUSCEPTIBILITY TO; BRCA1 Hereditary Breast and Ovarian Cancer. Identifiers: Orphanet 145, MedGen C2676676, MONDO:0011450, OMIM 604370. Disease mechanism: loss of function.
Malignant tumor of breast. Also called: Malignant breast neoplasm; Cancer breast. Identifiers: MedGen C0006142, MONDO:0007254. Disease mechanism: loss of function.

Allele frequency attached by ClinVar (database versions not stated): ExAC 0.00001; gnomAD exomes 0.00001.
gnomAD v4.1: 4 of 1,606,370 alleles (0.00025%); highest among the groups gnomAD compares: Admixed American, 0.0017%; no homozygotes.

Submissions 1 to 5 of 19:

Evidence-based Network for the Interpretation of Germline Mutant Alleles (ENIGMA)
Classification: Pathogenic for Breast-ovarian cancer, familial, susceptibility to, 1. Last evaluated: 2019-06-18. Review status: reviewed by expert panel. Criteria: ENIGMA BRCA1/2 Classification Criteria (2017-06-29). Collection method: curation. Allele origin: germline.
Comment: IARC class based on posterior probability from multifactorial likelihood analysis, thresholds for class as per Plon et al. 2008 (PMID: 18951446). Class 5 based on posterior probability = 0.996159

Labcorp Genetics (formerly Invitae), Labcorp
Classification: Pathogenic for Hereditary breast ovarian cancer syndrome. Last evaluated: 2026-01-05. Review status: criteria provided, single submitter. Criteria: Invitae Variant Classification Sherloc (09022015). Collection method: clinical testing. Allele origin: germline. Not counted in ClinVar's aggregate classification.
Comment: This sequence change replaces aspartic acid, which is acidic and polar, with histidine, which is basic and polar, at codon 1692 of the BRCA1 protein (p.Asp1692His). RNA analysis indicates that this missense change induces altered splicing and may result in an absent or altered protein product. This variant is present in population databases (rs80187739, gnomAD 0.01%). This missense change has been observed in individual(s) with BRCA1-related conditions (PMID: 21769658, 22505045, 22762150, 23239986, 28294317, 29446198, 30702160). ClinVar contains an entry for this variant (Variation ID: 37633). An algorithm developed to predict the effect of missense changes on protein structure and function (PolyPhen-2) suggests that this variant is likely to be disruptive. Experimental studies have shown that this missense change affects BRCA1 function (PMID: 30209399). Variants that disrupt the consensus splice site are a relatively common cause of aberrant splicing (PMID: 17576681, 9536098). Studies have shown that this missense change results in two alternately spliced products, one with skipping of exon 16 and another with retention of 153 nucleotides of intron 16, and produces a non-functional protein and/or introduces a premature termination codon (PMID: 20516115, 21769658, 22505045, 23239986, 25724305, 30209399; internal data). For these reasons, this variant has been classified as Pathogenic.

Victorian Clinical Genetics Services, Murdoch Childrens Research Institute
Classification: Pathogenic for Breast-ovarian cancer, familial, susceptibility to, 1. Last evaluated: 2024-10-09. Review status: criteria provided, single submitter. Criteria: ACMG Guidelines, 2015. Collection method: clinical testing. Allele origin: germline. Inheritance: Autosomal dominant inheritance. Not counted in ClinVar's aggregate classification.
Comment: Based on the classification scheme VCGS_Germline_v1.3.4, this variant is classified as Pathogenic. Following criteria are met: 0102 - Loss of function is a known mechanism of disease in this gene and is associated with Fanconi anaemia, complementation group S (MIM#617883), susceptibility to breast and ovarian cancer (MIM#604370) and susceptibility to pancreatic cancer (MIM#614320). (I) 0108 - This gene is associated with both recessive and dominant disease. Susceptibility to breast and ovarian cancer follows an autosomal dominant inheritance pattern, while Fanconi anaemia is inherited in an autosomal recessive pattern (OMIM). (I) 0112 - The condition associated with this gene has incomplete penetrance. The highest estimate for cancer risk in carriers of pathogenic variants is 80% by the age of 70 years (PMID: 30551077). (I) 0200 - Variant is predicted to result in a missense amino acid change from aspartic acid to histidine. (I) 0251 - This variant is heterozygous. (I) 0304 - Variant is present in gnomAD (v2) <0.01 (3 heterozygotes, 0 homozygotes). (SP) 0502 - Missense variant with conflicting in silico predictions and uninformative conservation. (I) 0602 - Variant is located in a hotspot region or cluster of pathogenic variants. This variant is located in the BRCA1 C terminus domain in a cluster of pathogenic missense variants (DECIPHER). (SP) 0801 - This variant has strong previous evidence of pathogenicity in unrelated individuals. This variant has been classified as pathogenic by the ENIGMA expert panel and has been reported as pathogenic by numerous other clinical laboratories (ClinVar). (I) Legend: (SP) - Supporting pathogenic, (I) - Information, (SB) - Supporting benign

Color Diagnostics, LLC DBA Color Health
Classification: Pathogenic for Hereditary cancer-predisposing syndrome. Last evaluated: 2024-07-29. Review status: criteria provided, single submitter. Criteria: ACMG Guidelines, 2015. Collection method: clinical testing. Allele origin: germline. Not counted in ClinVar's aggregate classification.
Comment: This missense variant replaces aspartic acid with histidine at codon 1692 of the BRCA1 protein. Computational prediction tool suggests that this variant may have deleterious impact on protein structure and function. RNA studies reported that this variant causes aberrant mRNA splicing that introduces either a frameshift and/or a premature termination codon in patient RNA and minigene splicing assay (PMID: 21769658, 22505045, 25724305). Functional studies also have reported that this variant impacts BRCA1 function in homology-directed repair, transcription activation and haploid cell proliferation assays (PMID: 20516115, 30209399, 32546644). This variant has been reported in at least six individuals affected with breast and/or ovarian cancer (PMID: 21769658, 23239986, 28294317, DOI 10.1515/tjb-2019-0424). A multifactorial analysis reported an combined likelihood ratio for pathogenicity greater than 8.0:1 based on segregation, tumor pathology, co-occurrence with a pathogenic variant and family history (PMID: 31131967). This variant has also been identified in 3/251348 chromosomes in the general population by the Genome Aggregation Database (gnomAD). In addition, different variants affecting the same position (c.5074G>A, c.5074G>T) are considered to be disease-causing (ClinVar variation ID: 37632, 55376), suggesting that the nucleotide at this position is important for normal RNA splicing. Loss of BRCA1 function is a known mechanism of disease. Based on the available evidence, this variant is classified as Pathogenic.

Ambry Genetics
Classification: Pathogenic for Hereditary cancer-predisposing syndrome. Last evaluated: 2023-12-05. Review status: criteria provided, single submitter. Criteria: Ambry Variant Classification Scheme 2023. Collection method: clinical testing. Allele origin: germline. Not counted in ClinVar's aggregate classification.
Comment: The c.5074G>C pathogenic mutation (also known as p.D1692H), located in coding exon 15 of the BRCA1 gene, results from a G to C substitution at nucleotide position 5074. The amino acid change results in aspartic acid to histidine at codon 1692, an amino acid with similar properties. However, this change occurs in the last base pair of coding exon 15, which makes it likely to have some effect on normal mRNA splicing. This alteration has been identified in multiple families affected with phenotypes consistent with hereditary breast and ovarian cancer (HBOC) syndrome (Lecarpentier J et al. Breast Cancer Res. 2012 Jul 3;14(4):R99; Thomassen M et al. Breast Cancer Res Treat. 2012 Apr;132(3):1009-23). This variant has also been shown by functional splicing assays to result in abnormal protein transcripts by either skipping of coding exon 15 or in-frame retention of a portion of intron 15 (Ambry internal data; Houdayer C et al. Hum Mutat. 2012 Aug;33(8):1228-38; Wappenschmidt B et al. PLoS One. 2012;7(12):e50800; Ahlborn LB et al. Breast Cancer Res. Treat., 2015 Apr;150:289-98). One functional study found that this nucleotide substitution is non-functional in a high throughput genome editing haploid cell survival assay (Findlay GM et al. Nature 2018 Oct;562(7726):217-222). Note that this alteration is also referred to as 5193G>C in published literature. Based on the available evidence, this alteration is classified as a pathogenic mutation.